The following is an entry in ClinVar:

NM_001100913.3(PACS2):c.1800G>T (p.Arg600Ser)

Gene: PACS2 (phosphofurin acidic cluster sorting protein 2; plus strand). Cytogenetic location: 14q32.33.
Variant type: single nucleotide variant.
Coding change: c.1800G>T on transcript NM_001100913.3 (MANE Select); coding-DNA position 1800, G replaced by T.
Protein change: p.Arg600Ser; replaces arginine 600 with serine.
Molecular consequence: missense variant.
Genome position (GRCh38, 1-based): chr14:105,384,372, G>T. VCF-style: chr14-105384372-G-T. GRCh37 (hg19) VCF-style: chr14-105850709-G-T.
Other names: c.1563G>T, p.Arg521Ser (NM_001243127.3); c.1788G>T, p.Arg596Ser (NM_015197.4); short protein forms R600S, R521S, R596S.
Identifiers: ClinVar variation 3666757 (VCV003666757.2).

ClinVar aggregate classification (germline): Uncertain significance (1 of 4 stars; one submission).

Submission:

Labcorp Genetics (formerly Invitae), Labcorp
Classification: Uncertain significance. Last evaluated: 2024-11-25. Review status: criteria provided, single submitter. Criteria: Invitae Variant Classification Sherloc (09022015). Collection method: clinical testing. Allele origin: germline.
Comment: This sequence change replaces arginine, which is basic and polar, with serine, which is neutral and polar, at codon 600 of the PACS2 protein (p.Arg600Ser). This variant is not present in population databases (gnomAD no frequency). This variant has not been reported in the literature in individuals affected with PACS2-related conditions. Invitae Evidence Modeling of protein sequence and biophysical properties (such as structural, functional, and spatial information, amino acid conservation, physicochemical variation, residue mobility, and thermodynamic stability) indicates that this missense variant is expected to disrupt PACS2 protein function with a positive predictive value of 80%. In summary, the available evidence is currently insufficient to determine the role of this variant in disease. Therefore, it has been classified as a Variant of Uncertain Significance.